The following is an entry in ClinVar:

ClinVar aggregate classification (germline): Likely benign. Review status: criteria provided, multiple submitters, no conflicts (2 of 4 stars). 4 submissions from 4 submitters: Likely benign (4). Last evaluated 2026-07-01.

Conditions:
Nephronophthisis 14 (NPHP14). Identifiers: Orphanet 2318, MedGen C3539071, MONDO:0013916, OMIM 614844.

Allele frequency attached by ClinVar (database versions not stated): gnomAD 0.00003 and 0.00004; TOPMed 0.00005; gnomAD exomes 0.00007 and 0.00023; ExAC 0.00018; 1000 Genomes Project 30x 0.00031; 1000 Genomes Project 0.00040.
gnomAD v4.1: 109 of 1,585,058 alleles (0.0069%); highest among the groups gnomAD compares: East Asian, 0.09%; 1 homozygote.

Submissions (4):

CeGaT Center for Human Genetics Tuebingen
Classification: Likely benign. Last evaluated: 2026-07-01. Review status: criteria provided, single submitter. Criteria: CeGaT Center For Human Genetics Tuebingen Variant Classification Criteria Version 2. Collection method: clinical testing. Allele origin: germline. Affected: yes. Observed: 1 variant allele.
Comment: ZNF423: BP4, BP7

Labcorp Genetics (formerly Invitae), Labcorp
Classification: Likely benign for Nephronophthisis 14. Last evaluated: 2026-01-06. Review status: criteria provided, single submitter. Criteria: Invitae Variant Classification Sherloc (09022015). Collection method: clinical testing. Allele origin: germline.

Blueprint Genetics
Classification: Likely benign. Last evaluated: 2023-02-15. Review status: criteria provided, single submitter. Criteria: ACMG Guidelines, 2015. Collection method: clinical testing. Allele origin: germline.

Breakthrough Genomics
Classification: Likely benign. Review status: criteria provided, single submitter. Criteria: ACMG Guidelines, 2015. Collection method: not provided. Allele origin: germline. Inheritance: Autosomal dominant inheritance. Affected: yes.

NM_001379286.1(ZNF423):c.3303C>T (p.Ala1101=)

Gene: ZNF423 (zinc finger protein 423; minus strand). Cytogenetic location: 16q12.1.
Variant type: single nucleotide variant.
Coding change: c.3303C>T on transcript NM_001379286.1 (MANE Select); coding-DNA position 3303, C replaced by T.
Protein change: p.Ala1101=; no amino-acid change (alanine 1101 retained).
Molecular consequence: synonymous variant.
Genome position (GRCh38, 1-based): chr16:49,635,873, G>A on the plus strand (C>T on the coding strand, the complement: ZNF423 is on the minus strand). VCF-style: chr16-49635873-G-A. GRCh37 (hg19) VCF-style: chr16-49669784-G-A.
Other names: c.3099C>T, p.Ala1033= (NM_001271620.2); c.2928C>T, p.Ala976= (NM_001330533.2); c.3279C>T, p.Ala1093= (NM_015069.5).
Identifiers: ClinVar variation 770093 (VCV000770093.14), dbSNP rs201584755, ClinGen allele CA8046341.